The following is an entry in ClinVar:

NM_006231.4(POLE):c.285+9del

Gene: POLE (DNA polymerase epsilon, catalytic subunit; minus strand). Cytogenetic location: 12q24.33.
Variant type: Deletion.
Coding change: c.285+9del on transcript NM_006231.4 (MANE Select); 9 bases into the intron after coding-DNA position 285, one base deleted (C; older notation c.285+9delC).
Molecular consequence: intron variant.
Genome position (GRCh38, 1-based): chr12:132,680,598, G deleted on the plus strand (C on the coding strand, the reverse complement: POLE is on the minus strand); the first of 4 consecutive G bases (chr12:132,680,598-132,680,601); deleting any one gives the same sequence. VCF-style (leftmost placement, unchanged base first): chr12-132680597-AG-A. GRCh37 (hg19) VCF-style: chr12-133257183-AG-A.
Other names: c.285+9del (NM_006231.3).
Identifiers: ClinVar variation 698010 (VCV000698010.12), dbSNP rs1593087048, ClinGen allele CA915946779.

ClinVar aggregate classification (germline): Likely benign. Review status: criteria provided, multiple submitters, no conflicts (2 of 4 stars). 2 submissions from 2 submitters: Likely benign (2). Last evaluated 2026-01-03.

Submissions (2):

Dasa
Classification: Likely benign. Last evaluated: 2026-01-03. Review status: criteria provided, single submitter. Criteria: DASA Assertion Criteria. Collection method: clinical testing. Allele origin: germline.
Comment: NM_006231.4(POLE):c.285+9del is a splice-region variant. The variant context is inconsistent with a known disease-causing mechanism. Computational prediction algorithms are consistent with a benign effect. Therefore, based on the currently available evidence, this variant is classified as likely benign.

Labcorp Genetics (formerly Invitae), Labcorp
Classification: Likely benign. Last evaluated: 2023-12-24. Review status: criteria provided, single submitter. Criteria: Invitae Variant Classification Sherloc (09022015). Collection method: clinical testing. Allele origin: germline.